The following is an entry in ClinVar:

NM_201253.3(CRB1):c.3860del (p.Pro1287fs)

Gene: CRB1 (crumbs cell polarity complex component 1; plus strand). Cytogenetic location: 1q31.3.
Variant type: Deletion.
Coding change: c.3860del on transcript NM_201253.3 (MANE Select); coding-DNA position 3860, one base deleted (C; older notation c.3860delC).
Protein change: p.Pro1287fs; shifts the reading frame from proline 1287.
Molecular consequence: frameshift variant. On other transcripts: non-coding transcript variant (2).
Genome position (GRCh38, 1-based): chr1:197,438,657, C deleted; the last of 2 consecutive C bases (chr1:197,438,656-197,438,657); deleting either gives the same sequence. VCF-style (leftmost placement, unchanged base first): chr1-197438655-GC-G. GRCh37 (hg19) VCF-style: chr1-197407785-GC-G.
Other names: c.3524del, p.Pro1175fs (NM_001193640.2); c.3788del, p.Pro1263fs (NM_001257965.2); c.2252del, p.Pro751fs (NM_001257966.2); short protein forms P1175fs, P1263fs, P1287fs, P751fs.
Identifiers: ClinVar variation 1071809 (VCV001071809.9), dbSNP rs2125506442, ClinGen allele CA1139655099.
Genomic context (GRCh38, chr1:197,438,655, plus strand): 5'-CACTTGCTACAATGGAGGCAACTGCACAGAGTTCCAGACTGAATTAAAATGTATGTGCCG[GC>G]CAGGTTTTACTGGAGAATGGTGAGTCACATTAGAGCCTTCTGGAAGAGAATTCTGAGCTA-3'

ClinVar aggregate classification (germline): Pathogenic (1 of 4 stars; one submission).

Conditions:
Retinitis pigmentosa 12 (RP12). Also called: RP WITH OR WITHOUT PPRPE; RP WITH OR WITHOUT PRESERVED PARAARTERIOLE RETINAL PIGMENT EPITHELIUM; RETINITIS PIGMENTOSA WITH OR WITHOUT PARAARTERIOLAR PRESERVATION OF RETINAL PIGMENT EPITHELIUM. Identifiers: Orphanet 791, MedGen C1838647, MONDO:0010818, OMIM 600105.
Leber congenital amaurosis 8 (LCA8). Identifiers: Orphanet 65, MedGen C3151202, MONDO:0013453, OMIM 613835.

Submission:

Labcorp Genetics (formerly Invitae), Labcorp
Classification: Pathogenic for Leber congenital amaurosis 8; Retinitis pigmentosa 12. Last evaluated: 2020-06-19. Review status: criteria provided, single submitter. Criteria: Invitae Variant Classification Sherloc (09022015). Collection method: clinical testing. Allele origin: germline.
Comment: For these reasons, this variant has been classified as Pathogenic. This variant is not present in population databases (ExAC no frequency). This variant has not been reported in the literature in individuals with CRB1-related conditions. This variant disrupts the C-terminus of the CRB1 protein. Other variant(s) that disrupt this region (p.Arg1390*) have been determined to be pathogenic (PMID: 23379534, 29068479, Invitae). This suggests that variants that disrupt this region of the protein are likely to be causative of disease. This sequence change results in a premature translational stop signal in the CRB1 gene (p.Pro1287Glnfs*54). While this is not anticipated to result in nonsense mediated decay, it is expected to disrupt the last 120 amino acids of the CRB1 protein.

Literature cited by the submitters: PubMed 23379534; PubMed 29068479.